The following is an entry in ClinVar:

NM_001009944.3(PKD1):c.2102C>A (p.Thr701Asn)

Gene: PKD1 (polycystin 1, transient receptor potential channel interacting; minus strand). Cytogenetic location: 16p13.3.
Variant type: single nucleotide variant.
Coding change: c.2102C>A on transcript NM_001009944.3 (MANE Select); coding-DNA position 2102, C replaced by A.
Protein change: p.Thr701Asn; replaces threonine 701 with asparagine.
Molecular consequence: missense variant.
Genome position (GRCh38, 1-based): chr16:2,114,921, G>T on the plus strand (C>A on the coding strand, the complement: PKD1 is on the minus strand). VCF-style: chr16-2114921-G-T. GRCh37 (hg19) VCF-style: chr16-2164922-G-T.
Other names: c.2102C>A, p.Thr701Asn (NM_000296.4); c.2102C>A (NM_000296.3); short protein forms T701N.
Identifiers: ClinVar variation 931714 (VCV000931714.6), dbSNP rs1456789343, ClinGen allele CA394389391.

ClinVar aggregate classification (germline): Conflicting classifications of pathogenicity. Review status: criteria provided, conflicting classifications (1 of 4 stars). 4 submissions from 4 submitters: Uncertain significance (3); Likely benign (1). Last evaluated 2024-01-17.

Conditions:
Inborn genetic diseases. Identifiers: MedGen C0950123, MeSH D030342.
Polycystic kidney disease, adult type (PKD1). Also called: Polycystic Kidney, Autosomal Dominant; POLYCYSTIC KIDNEY DISEASE, ADULT, TYPE I; Polycystic Kidney Disease 1, Autosomal Dominant; Polycystic kidney disease 1; Polycystic kidney disease 1, severe; POLYCYSTIC KIDNEY DISEASE 1 WITH OR WITHOUT POLYCYSTIC LIVER DISEASE. Identifiers: MedGen C3149841, MONDO:0008263, OMIM 173900.

Submissions (4):

Ambry Genetics
Classification: Likely benign for Inborn genetic diseases. Last evaluated: 2024-01-17. Review status: criteria provided, single submitter. Criteria: Ambry Variant Classification Scheme 2023. Collection method: clinical testing. Allele origin: germline.

Department of Pathology and Laboratory Medicine, Sinai Health System
Classification: Uncertain significance for Polycystic kidney disease, adult type. Last evaluated: 2021-07-30. Review status: criteria provided, single submitter. Criteria: ACMG Guidelines, 2015. Collection method: research. Allele origin: germline.

Centre for Mendelian Genomics, University Medical Centre Ljubljana
Classification: Uncertain significance for Polycystic kidney disease, adult type. Last evaluated: 2019-08-12. Review status: criteria provided, single submitter. Criteria: ACMG Guidelines, 2015. Collection method: clinical testing. Allele origin: unknown. Affected: yes.
Comment: This variant was classified as: Uncertain significance. The available evidence on this variant's pathogenicity is insufficient or conflicting. The following ACMG criteria were applied in classifying this variant: PM2.

Breakthrough Genomics
Classification: Uncertain significance. Review status: criteria provided, single submitter. Criteria: ACMG Guidelines, 2015. Collection method: not provided. Allele origin: germline. Inheritance: Autosomal dominant inheritance. Affected: yes.

Literature cited by the submitters: PubMed 32816041 (cited by Ambry Genetics); PubMed 36413997 (cited by Ambry Genetics).